The following is an entry in ClinVar:

NM_203446.3(SYNJ1):c.4G>A (p.Ala2Thr)

Gene: SYNJ1 (synaptojanin 1; minus strand). Cytogenetic location: 21q22.11.
Variant type: single nucleotide variant.
Coding change: c.4G>A on transcript NM_203446.3 (MANE Select); coding-DNA position 4, G replaced by A.
Protein change: p.Ala2Thr; replaces alanine 2 with threonine.
Molecular consequence: missense variant.
Genome position (GRCh38, 1-based): chr21:32,726,892, C>T on the plus strand (G>A on the coding strand, the complement: SYNJ1 is on the minus strand). VCF-style: chr21-32726892-C-T. GRCh37 (hg19) VCF-style: chr21-34099203-C-T.
Other names: c.4G>A, p.Ala2Thr (NM_001160302.2, NM_001160306.2); c.121G>A, p.Ala41Thr (NM_003895.4); short protein forms A2T, A41T.
Identifiers: ClinVar variation 1014043 (VCV001014043.9), dbSNP rs2043481026, ClinGen allele CA410078422.

ClinVar aggregate classification (germline): Uncertain significance (1 of 4 stars; one submission).

Conditions:
Early-onset Parkinson disease 20. Also called: PARKINSON DISEASE 20, AUTOSOMAL RECESSIVE EARLY-ONSET. Identifiers: Orphanet 391411, MedGen C3809824, MONDO:0014233, OMIM 615530.
Developmental and epileptic encephalopathy, 53. Also called: Epileptic encephalopathy, early infantile, 53. Identifiers: MedGen C4479313, MONDO:0033362, OMIM 617389.

Submission:

Labcorp Genetics (formerly Invitae), Labcorp
Classification: Uncertain significance for Developmental and epileptic encephalopathy, 53; Early-onset Parkinson disease 20. Last evaluated: 2020-05-03. Review status: criteria provided, single submitter. Criteria: Invitae Variant Classification Sherloc (09022015). Collection method: clinical testing. Allele origin: germline.
Comment: This variant is not present in population databases (ExAC no frequency). In summary, the available evidence is currently insufficient to determine the role of this variant in disease. Therefore, it has been classified as a Variant of Uncertain Significance. Algorithms developed to predict the effect of missense changes on protein structure and function are either unavailable or do not agree on the potential impact of this missense change (SIFT: "Tolerated"; PolyPhen-2: "Probably Damaging"; Align-GVGD: "Class C0"). This variant has not been reported in the literature in individuals with SYNJ1-related conditions. This sequence change replaces alanine with threonine at codon 41 of the SYNJ1 protein (p.Ala41Thr). The alanine residue is highly conserved and there is a small physicochemical difference between alanine and threonine.